The following is an entry in ClinVar:

ClinVar aggregate classification (germline): Uncertain significance. Review status: criteria provided, multiple submitters, no conflicts (2 of 4 stars). 2 submissions from 2 submitters: Uncertain significance (2). Last evaluated 2025-05-22.

Conditions:
Early-infantile DEE. Also called: Early infantile epileptic encephalopathy with suppression bursts; Ohtahara syndrome; Early infantile epileptic encephalopathy. Identifiers: Orphanet 1934, MedGen C0393706, MONDO:0800491.

Allele frequency attached by ClinVar (database versions not stated): gnomAD exomes 0.00002 and 0.00013; ExAC 0.00003; gnomAD 0.00004; TOPMed 0.00005; ESP Exome Variant Server 0.00008.
gnomAD v4.1: 194 of 1,613,586 alleles (0.012%); highest among the groups gnomAD compares: Non-Finnish European, 0.016%; no homozygotes.

Submissions (2):

Labcorp Genetics (formerly Invitae), Labcorp
Classification: Uncertain significance for Early-infantile DEE. Last evaluated: 2025-05-22. Review status: criteria provided, single submitter. Criteria: Invitae Variant Classification Sherloc (09022015). Collection method: clinical testing. Allele origin: germline.
Comment: This sequence change replaces arginine, which is basic and polar, with tryptophan, which is neutral and slightly polar, at codon 613 of the ARHGEF15 protein (p.Arg613Trp). This variant is present in population databases (rs141885648, gnomAD 0.006%). This variant has not been reported in the literature in individuals affected with ARHGEF15-related conditions. ClinVar contains an entry for this variant (Variation ID: 403964). An algorithm developed to predict the effect of missense changes on protein structure and function (PolyPhen-2) suggests that this variant is likely to be disruptive. In summary, the available evidence is currently insufficient to determine the role of this variant in disease. Therefore, it has been classified as a Variant of Uncertain Significance.

Women's Health and Genetics/Laboratory Corporation of America, LabCorp
Classification: Uncertain significance. Last evaluated: 2024-05-02. Review status: criteria provided, single submitter. Criteria: LabCorp Variant Classification Summary - May 2015. Collection method: clinical testing. Allele origin: germline.
Comment: Variant summary: ARHGEF15 c.1837C>T (p.Arg613Trp) results in a non-conservative amino acid change in the encoded protein sequence. Three of five in-silico tools predict a damaging effect of the variant on protein function. The variant allele was found at a frequency of 1.6e-05 in 251158 control chromosomes (gnomAD). The available data on variant occurrences in the general population are insufficient to allow any conclusion about variant significance. To our knowledge, no occurrence of c.1837C>T in individuals affected with ARHGEF15-Related Disorders and no experimental evidence demonstrating its impact on protein function have been reported. ClinVar contains an entry for this variant (Variation ID: 403964). Based on the evidence outlined above, the variant was classified as uncertain significance.

NM_173728.4(ARHGEF15):c.1837C>T (p.Arg613Trp)

Gene: ARHGEF15 (Rho guanine nucleotide exchange factor 15; plus strand). Cytogenetic location: 17p13.1.
Variant type: single nucleotide variant.
Coding change: c.1837C>T on transcript NM_173728.4 (MANE Select); coding-DNA position 1837, C replaced by T.
Protein change: p.Arg613Trp; replaces arginine 613 with tryptophan.
Molecular consequence: missense variant.
Genome position (GRCh38, 1-based): chr17:8,318,627, C>T. VCF-style: chr17-8318627-C-T. GRCh37 (hg19) VCF-style: chr17-8221945-C-T.
Other names: c.1837C>T, p.Arg613Trp (NM_025014.2); short protein forms R613W.
Identifiers: ClinVar variation 403964 (VCV000403964.9), dbSNP rs141885648, ClinGen allele CA8375324.